The following is an entry in ClinVar:

ClinVar aggregate classification (germline): Uncertain significance. Review status: criteria provided, multiple submitters, no conflicts (2 of 4 stars). 2 submissions from 2 submitters: Uncertain significance (2). Last evaluated 2024-12-10.

Conditions:
Inborn genetic diseases. Identifiers: MedGen C0950123, MeSH D030342.
Developmental and epileptic encephalopathy, 30 (DEE30). Also called: Epileptic encephalopathy, early infantile, 30. Identifiers: MedGen C4225360, MONDO:0014595, OMIM 616341.

Submissions (2):

Labcorp Genetics (formerly Invitae), Labcorp
Classification: Uncertain significance for Developmental and epileptic encephalopathy, 30. Last evaluated: 2024-12-10. Review status: criteria provided, single submitter. Criteria: Invitae Variant Classification Sherloc (09022015). Collection method: clinical testing. Allele origin: germline.
Comment: This sequence change replaces proline, which is neutral and non-polar, with leucine, which is neutral and non-polar, at codon 493 of the SIK1 protein (p.Pro493Leu). This variant is present in population databases (rs747938877, gnomAD 0.005%). This variant has not been reported in the literature in individuals affected with SIK1-related conditions. ClinVar contains an entry for this variant (Variation ID: 3162242). Invitae Evidence Modeling of protein sequence and biophysical properties (such as structural, functional, and spatial information, amino acid conservation, physicochemical variation, residue mobility, and thermodynamic stability) indicates that this missense variant is not expected to disrupt SIK1 protein function with a negative predictive value of 95%. In summary, the available evidence is currently insufficient to determine the role of this variant in disease. Therefore, it has been classified as a Variant of Uncertain Significance.

Ambry Genetics
Classification: Uncertain significance for Inborn genetic diseases. Last evaluated: 2024-02-06. Review status: criteria provided, single submitter. Criteria: Ambry Variant Classification Scheme 2023. Collection method: clinical testing. Allele origin: germline.

NM_173354.5(SIK1):c.1478C>T (p.Pro493Leu)

Gene: SIK1 (salt inducible kinase 1; minus strand). Cytogenetic location: 21q22.3.
Variant type: single nucleotide variant.
Coding change: c.1478C>T on transcript NM_173354.5 (MANE Select); coding-DNA position 1478, C replaced by T.
Protein change: p.Pro493Leu; replaces proline 493 with leucine.
Molecular consequence: missense variant.
Genome position (GRCh38, 1-based): chr21:43,418,526, G>A on the plus strand (C>T on the coding strand, the complement: SIK1 is on the minus strand). VCF-style: chr21-43418526-G-A. GRCh37 (hg19) VCF-style: chr21-44838406-G-A.
Other names: short protein forms P493L.
Identifiers: ClinVar variation 3162242 (VCV003162242.3), dbSNP rs747938877, ClinGen allele CA321325517.